The following is an entry in ClinVar:

NM_003105.6(SORL1):c.2782G>A (p.Val928Met)

Gene: SORL1 (sortilin related receptor 1; plus strand). Cytogenetic location: 11q24.1.
Variant type: single nucleotide variant.
Coding change: c.2782G>A on transcript NM_003105.6 (MANE Select); coding-DNA position 2782, G replaced by A.
Protein change: p.Val928Met; replaces valine 928 with methionine.
Molecular consequence: missense variant.
Genome position (GRCh38, 1-based): chr11:121,558,709, G>A. VCF-style: chr11-121558709-G-A. GRCh37 (hg19) VCF-style: chr11-121429418-G-A.
Other names: short protein forms V928M.
Identifiers: ClinVar variation 3622366 (VCV003622366.2).
Genomic context (GRCh38, chr11:121,558,709, plus strand): 5'-GATGGTTCTGCTGCCTATCACCTGGTGTCTGAGGATGTGAAGTGGCCCAATGGCATCTCT[G>A]TGGACGACCAGTGGATTTACTGGACGGATGCCTACCTGGAGTGCATAGAGCGGATCACGT-3'
Protein context (NP_003096.2, residues 918-938): EDVKWPNGIS[Val928Met]DDQWIYWTDA

ClinVar aggregate classification (germline): Uncertain significance (1 of 4 stars; one submission).

gnomAD v4.1: 2 of 1,614,206 alleles (0.00012%); highest among the groups gnomAD compares: Non-Finnish European, 0.00017%; no homozygotes.

Submission:

Labcorp Genetics (formerly Invitae), Labcorp
Classification: Uncertain significance. Last evaluated: 2024-11-28. Review status: criteria provided, single submitter. Criteria: Invitae Variant Classification Sherloc (09022015). Collection method: clinical testing. Allele origin: germline.
Comment: This sequence change replaces valine, which is neutral and non-polar, with methionine, which is neutral and non-polar, at codon 928 of the SORL1 protein (p.Val928Met). This variant is not present in population databases (gnomAD no frequency). This variant has not been reported in the literature in individuals affected with SORL1-related conditions. An algorithm developed to predict the effect of missense changes on protein structure and function (PolyPhen-2) suggests that this variant is likely to be disruptive. In summary, the available evidence is currently insufficient to determine the role of this variant in disease. Therefore, it has been classified as a Variant of Uncertain Significance.